The following is an entry in ClinVar:

ClinVar aggregate classification (germline): Conflicting classifications of pathogenicity. Review status: criteria provided, conflicting classifications (1 of 4 stars). 9 submissions from 9 submitters: Uncertain significance (7); Likely benign (1). 1 of the submissions does not count toward it. Last evaluated 2025-12-10.

Conditions:
PMS2-related disorder. Also called: PMS2-related condition.
Hereditary nonpolyposis colorectal neoplasms. Identifiers: MedGen C0009405, MeSH D003123.
Hereditary cancer-predisposing syndrome. Also called: Tumor predisposition; Hereditary Cancer Syndrome; Neoplastic Syndromes, Hereditary; Hereditary neoplastic syndrome. Identifiers: Orphanet 140162, MedGen C0027672, MeSH D009386, MONDO:0015356.
Lynch syndrome 4 (LYNCH4). Also called: Hereditary non-polyposis colorectal cancer, type 4; Colorectal cancer, hereditary nonpolyposis, type 4. Identifiers: Orphanet 144, MedGen C1838333, MONDO:0013699, OMIM 614337. Disease mechanism: loss of function.
Lynch syndrome. Identifiers: Orphanet 144, MedGen C4552100, MONDO:0005835. Disease mechanism: loss of function.

Allele frequency attached by ClinVar (database versions not stated): gnomAD exomes 0.00001; TOPMed 0.00001; ExAC 0.00002; gnomAD 0.00003; ESP Exome Variant Server 0.00014.
gnomAD v4.1: 6 of 1,610,654 alleles (0.00037%); highest among the groups gnomAD compares: African/African-American, 0.004%; no homozygotes.

Submissions (9):

Ambry Genetics
Classification: Uncertain significance for Hereditary cancer-predisposing syndrome. Last evaluated: 2025-12-10. Review status: criteria provided, single submitter. Criteria: Ambry Variant Classification Scheme 2023. Collection method: clinical testing. Allele origin: germline.
Comment: The p.Q30K variant (also known as c.88C>A), located in coding exon 2 of the PMS2 gene, results from a C to A substitution at nucleotide position 88. The glutamine at codon 30 is replaced by lysine, an amino acid with similar properties. This amino acid position is highly conserved in available vertebrate species. In addition, this alteration is predicted to be deleterious by in silico analysis. Based on the available evidence, the clinical significance of this variant remains unclear.

Color Diagnostics, LLC DBA Color Health
Classification: Uncertain significance for Hereditary cancer-predisposing syndrome. Last evaluated: 2025-07-15. Review status: criteria provided, single submitter. Criteria: ACMG Guidelines, 2015. Collection method: clinical testing. Allele origin: germline.
Comment: This missense variant replaces glutamine with lysine at codon 30 of the PMS2 protein. Computational prediction suggests that this variant may have deleterious impact on protein structure and function. To our knowledge, functional studies have not been reported for this variant. This variant has not been reported in individuals affected with PMS2-related disorders in the literature. This variant has been identified in 3/245770 chromosomes in the general population by the Genome Aggregation Database (gnomAD). The available evidence is insufficient to determine the role of this variant in disease conclusively. Therefore, this variant is classified as a Variant of Uncertain Significance.

CeGaT Center for Human Genetics Tuebingen
Classification: Likely benign. Last evaluated: 2025-05-01. Review status: criteria provided, single submitter. Criteria: CeGaT Center For Human Genetics Tuebingen Variant Classification Criteria Version 2. Collection method: clinical testing. Allele origin: germline. Affected: yes. Observed: 1 variant allele.
Comment: PMS2: BP1, BS1:Supporting

Labcorp Genetics (formerly Invitae), Labcorp
Classification: Uncertain significance for Hereditary nonpolyposis colorectal neoplasms. Last evaluated: 2024-11-28. Review status: criteria provided, single submitter. Criteria: Invitae Variant Classification Sherloc (09022015). Collection method: clinical testing. Allele origin: germline.
Comment: This sequence change replaces glutamine, which is neutral and polar, with lysine, which is basic and polar, at codon 30 of the PMS2 protein (p.Gln30Lys). This variant is present in population databases (rs141577476, gnomAD 0.007%). This variant has not been reported in the literature in individuals affected with PMS2-related conditions. ClinVar contains an entry for this variant (Variation ID: 237929). Invitae Evidence Modeling incorporating data from in vitro experimental studies (internal data) indicates that this missense variant is not expected to disrupt PMS2 function with a negative predictive value of 95%. In summary, the available evidence is currently insufficient to determine the role of this variant in disease. Therefore, it has been classified as a Variant of Uncertain Significance.

Baylor Genetics
Classification: Uncertain significance for Lynch syndrome 4. Last evaluated: 2024-02-08. Review status: criteria provided, single submitter. Criteria: ACMG Guidelines, 2015. Collection method: clinical testing. Allele origin: unknown.

All of Us Research Program, National Institutes of Health
Classification: Uncertain significance for Lynch syndrome. Last evaluated: 2023-11-20. Review status: criteria provided, single submitter. Criteria: ACMG Guidelines, 2015. Collection method: clinical testing. Allele origin: germline. Inheritance: Autosomal dominant inheritance. Observed: 4 variant alleles, 4 heterozygotes.
Comment: This missense variant replaces glutamine with lysine at codon 30 of the PMS2 protein. Computational prediction suggests that this variant may have deleterious impact on protein structure and function (internally defined REVEL score threshold >= 0.7, PMID: 27666373). To our knowledge, functional studies have not been reported for this variant. This variant has not been reported in individuals affected with PMS2-related disorders in the literature. This variant has been identified in 3/245770 chromosomes in the general population by the Genome Aggregation Database (gnomAD). The available evidence is insufficient to determine the role of this variant in disease conclusively. Therefore, this variant is classified as a Variant of Uncertain Significance.

This study involves interpretation of variants in research participants for the purpose of population health screening. Participant phenotype was not available at the time of variant classification. Additional details can be found in publication PMID: 35346344, PMCID: PMC8962531

GeneDx
Classification: Uncertain significance. Last evaluated: 2021-09-16. Review status: criteria provided, single submitter. Criteria: GeneDx Variant Classification Process June 2021. Collection method: clinical testing. Allele origin: germline. Affected: yes.
Comment: Has not been previously published as pathogenic or benign to our knowledge; In silico analysis supports that this missense variant has a deleterious effect on protein structure/function; This variant is associated with the following publications: (PMID: 11574484)

Quest Diagnostics Nichols Institute San Juan Capistrano
Classification: Uncertain significance. Last evaluated: 2020-09-16. Review status: criteria provided, single submitter. Criteria: Quest Diagnostics criteria. Collection method: clinical testing. Allele origin: unknown.

PreventionGenetics, part of Exact Sciences
Classification: Uncertain significance for PMS2-related condition. Last evaluated: 2024-08-13. Review status: no assertion criteria provided. Collection method: clinical testing. Allele origin: germline. Not counted in ClinVar's aggregate classification.
Comment: The PMS2 c.88C>A variant is predicted to result in the amino acid substitution p.Gln30Lys. This variant was reported as a variant of uncertain significance in a pediatric cancer patient with acute lymphoblastic leukemia (Table S4a, Zhang et al. 2015. PubMed ID: 26580448). This variant is reported in 0.0066% of alleles in individuals of African descent in gnomAD and is interpreted as uncertain in ClinVar. At this time, the clinical significance of this variant is uncertain due to the absence of conclusive functional and genetic evidence.

Literature cited by the submitters: PubMed 26580448 (cited by Ambry Genetics).

NM_000535.7(PMS2):c.88C>A (p.Gln30Lys)

Gene: PMS2 (PMS1 homolog 2, mismatch repair system component; minus strand). Cytogenetic location: 7p22.1.
Variant type: single nucleotide variant.
Coding change: c.88C>A on transcript NM_000535.7 (MANE Select); coding-DNA position 88, C replaced by A.
Protein change: p.Gln30Lys; replaces glutamine 30 with lysine.
Molecular consequence: missense variant. On other transcripts: 5 prime UTR variant (8), non-coding transcript variant (1), intron variant (3).
Genome position (GRCh38, 1-based): chr7:6,005,967, G>T on the plus strand (C>A on the coding strand, the complement: PMS2 is on the minus strand). VCF-style: chr7-6005967-G-T. GRCh37 (hg19) VCF-style: chr7-6045598-G-T.
Other names: c.-318C>A (NM_001322003.2, NM_001322005.2, NM_001322009.2 and 1 more transcripts); c.88C>A, p.Gln30Lys (NM_001322006.2, NM_001322014.2); c.-128C>A (NM_001322007.2); c.-797C>A (NM_001322011.2, NM_001322012.2); c.-397C>A (NM_001322015.2); c.-52-1909C>A (NM_001322008.2); c.-242-1909C>A (NM_001322010.2, NM_001322004.2); short protein forms Q30K.
Identifiers: ClinVar variation 237929 (VCV000237929.35), dbSNP rs141577476, ClinGen allele CA052131.